The following is an entry in ClinVar:

NM_022455.5(NSD1):c.3758T>C (p.Ile1253Thr)

Gene: NSD1 (nuclear receptor binding SET domain protein 1; plus strand). Cytogenetic location: 5q35.3.
Variant type: single nucleotide variant.
Coding change: c.3758T>C on transcript NM_022455.5 (MANE Select); coding-DNA position 3758, T replaced by C.
Protein change: p.Ile1253Thr; replaces isoleucine 1253 with threonine.
Molecular consequence: missense variant.
Genome position (GRCh38, 1-based): chr5:177,212,157, T>C. VCF-style: chr5-177212157-T-C. GRCh37 (hg19) VCF-style: chr5-176639158-T-C.
Other names: c.2885T>C, p.Ile962Thr (NM_001365684.2, NM_001409306.1, NM_001409307.1 and 3 more transcripts); c.3758T>C, p.Ile1253Thr (NM_001409301.1, NM_001409302.1, NM_001409303.1); c.3338T>C, p.Ile1113Thr (NM_001409304.1); c.3005T>C, p.Ile1002Thr (NM_001409305.1); short protein forms I1002T, I1113T, I1253T, I962T.
Identifiers: ClinVar variation 2504673 (VCV002504673.2), dbSNP rs2480469155, ClinGen allele CA362327816.

ClinVar aggregate classification (germline): Uncertain significance. Review status: criteria provided, multiple submitters, no conflicts (2 of 4 stars). 2 submissions from 2 submitters: Uncertain significance (2). Last evaluated 2026-02-05.

Allele frequency attached by ClinVar (database versions not stated): gnomAD exomes below 0.00001.

Submissions (2):

GeneDx
Classification: Uncertain significance. Last evaluated: 2026-02-05. Review status: criteria provided, single submitter. Criteria: GeneDx Variant Classification Process June 2021. Collection method: clinical testing. Allele origin: germline.
Comment: Not observed at significant frequency in large population cohorts (gnomAD); In silico analysis suggests that this missense variant does not alter protein structure/function; Has not been previously published as pathogenic or benign to our knowledge

Blueprint Genetics
Classification: Uncertain significance. Last evaluated: 2023-11-09. Review status: criteria provided, single submitter. Criteria: ACMG Guidelines, 2015. Collection method: clinical testing. Allele origin: germline.